The following is an entry in ClinVar:

ClinVar aggregate classification (germline): Uncertain significance (1 of 4 stars; one submission).

Submission:

GeneDx
Classification: Uncertain significance. Last evaluated: 2024-05-24. Review status: criteria provided, single submitter. Criteria: GeneDx Variant Classification Process June 2021. Collection method: clinical testing. Allele origin: germline. Affected: yes.
Comment: Not observed at significant frequency in large population cohorts (gnomAD); In silico analysis indicates that this missense variant does not alter protein structure/function; Has not been previously published as pathogenic or benign to our knowledge

NM_018489.3(ASH1L):c.791G>C (p.Gly264Ala)

Gene: ASH1L (ASH1 like histone lysine methyltransferase; minus strand). Cytogenetic location: 1q22.
Variant type: single nucleotide variant.
Coding change: c.791G>C on transcript NM_018489.3 (MANE Select); coding-DNA position 791, G replaced by C.
Protein change: p.Gly264Ala; replaces glycine 264 with alanine.
Molecular consequence: missense variant.
Genome position (GRCh38, 1-based): chr1:155,482,079, C>G on the plus strand (G>C on the coding strand, the complement: ASH1L is on the minus strand). VCF-style: chr1-155482079-C-G. GRCh37 (hg19) VCF-style: chr1-155451870-C-G.
Other names: c.791G>C, p.Gly264Ala (NM_001366177.2); short protein forms G264A.
Identifiers: ClinVar variation 3381339 (VCV003381339.1).
Genomic context (GRCh38, chr1:155,482,079, plus strand): 5'-GTTACCAATCCAACTGCTGTGCTGATGGTTGGCTTTTTTATTAAGTCCTTATGTATTATT[C>G]CAGCTACAGAGCCAACACCTGCTTTCCTGATCAAATCCTTGCTAACCAATCCTGCTGTAG-3'
Protein context (NP_060959.2, residues 254-274): IRKAGVGSVA[Gly264Ala]IIHKDLIKKP